The following is an entry in ClinVar:

NM_001348768.2(HECW2):c.2687C>T (p.Ala896Val)

Gene: HECW2 (HECT, C2 and WW domain containing E3 ubiquitin protein ligase 2; minus strand). Cytogenetic location: 2q32.3.
Variant type: single nucleotide variant.
Coding change: c.2687C>T on transcript NM_001348768.2 (MANE Select); coding-DNA position 2687, C replaced by T.
Protein change: p.Ala896Val; replaces alanine 896 with valine.
Molecular consequence: missense variant.
Genome position (GRCh38, 1-based): chr2:196,307,132, G>A on the plus strand (C>T on the coding strand, the complement: HECW2 is on the minus strand). VCF-style: chr2-196307132-G-A. GRCh37 (hg19) VCF-style: chr2-197171856-G-A.
Other names: c.1619C>T, p.Ala540Val (NM_001304840.3); c.2687C>T, p.Ala896Val (NM_020760.4); short protein forms A540V, A896V.
Identifiers: ClinVar variation 2572815 (VCV002572815.4), dbSNP rs767738195, ClinGen allele CA349961462.
Genomic context (GRCh38, chr2:196,307,132, plus strand): 5'-TTATTTGCTTCTTTTTCCACTTTTATGAAATTACAAAAACAAAGCCCAAAGCTCTTACCT[G>A]CACTGGCTTGGTGAAAGTCAGCTTCCTCCCCTGCCCCATCAATAGCATTGGTATTTTCCT-3'
Protein context (NP_001335697.1, residues 886-906): GEEADFHQAS[Ala896Val]DFRRENILPH

ClinVar aggregate classification (germline): Uncertain significance. Review status: criteria provided, multiple submitters, no conflicts (2 of 4 stars). 2 submissions from 2 submitters: Uncertain significance (2). Last evaluated 2024-03-06.

gnomAD v4.1: 1 of 1,604,420 alleles (0.000062%); highest among the groups gnomAD compares: African/African-American, 0.0013%; no homozygotes.

Submissions (2):

GeneDx
Classification: Uncertain significance. Last evaluated: 2024-03-06. Review status: criteria provided, single submitter. Criteria: GeneDx Variant Classification Process June 2021. Collection method: clinical testing. Allele origin: germline. Affected: yes.
Comment: Not observed at significant frequency in large population cohorts (gnomAD); In silico analysis suggests this variant may impact gene splicing. In the absence of RNA/functional studies, the actual effect of this sequence change is unknown.; In silico analysis supports that this missense variant does not alter protein structure/function; Has not been previously published as pathogenic or benign to our knowledge

Women's Health and Genetics/Laboratory Corporation of America, LabCorp
Classification: Uncertain significance. Last evaluated: 2024-02-21. Review status: criteria provided, single submitter. Criteria: LabCorp Variant Classification Summary - May 2015. Collection method: clinical testing. Allele origin: germline.
Comment: Variant summary: HECW2 c.2687C>T (p.Ala896Val) results in a non-conservative amino acid change in the encoded protein sequence. Three of five in-silico tools predict a benign effect of the variant on protein function. The variant alters a nucleotide in the exonic splice region of Exon 12. Consensus agreement among computation tools predict no significant impact on normal splicing. However, these predictions have yet to be confirmed by functional studies. The variant was absent in 251232 control chromosomes. The available data on variant occurrences in the general population are insufficient to allow any conclusion about variant significance. To our knowledge, no occurrence of c.2687C>T in individuals affected with Neurodevelopmental Disorder With Hypotonia, Seizures, And Absent Language and no experimental evidence demonstrating its impact on protein function have been reported. ClinVar contains an entry for this variant (Variation ID: 2572815). Based on the evidence outlined above, the variant was classified as uncertain significance.